The following is an entry in ClinVar:

ClinVar aggregate classification (germline): Uncertain significance (1 of 4 stars; one submission).

Conditions:
Long QT syndrome (LQTS). Identifiers: MedGen C0023976, MeSH D008133, MONDO:0002442. Disease mechanism: loss of function. Inheritance: Various modes of inheritance.

Submission:

Labcorp Genetics (formerly Invitae), Labcorp
Classification: Uncertain significance for Long QT syndrome. Last evaluated: 2023-11-03. Review status: criteria provided, single submitter. Criteria: Invitae Variant Classification Sherloc (09022015). Collection method: clinical testing. Allele origin: germline.
Comment: This sequence change replaces isoleucine, which is neutral and non-polar, with asparagine, which is neutral and polar, at codon 639 of the KCNH2 protein (p.Ile639Asn). This variant is not present in population databases (gnomAD no frequency). This missense change has been observed in individual(s) with clinical features of long QT syndrome (Invitae). An algorithm developed to predict the effect of missense changes on protein structure and function (PolyPhen-2) suggests that this variant is likely to be disruptive. In summary, the available evidence is currently insufficient to determine the role of this variant in disease. Therefore, it has been classified as a Variant of Uncertain Significance.

NM_000238.4(KCNH2):c.1916T>A (p.Ile639Asn)

Gene: KCNH2 (potassium voltage-gated channel subfamily H member 2; minus strand). Cytogenetic location: 7q36.1.
Variant type: single nucleotide variant.
Coding change: c.1916T>A on transcript NM_000238.4 (MANE Select); coding-DNA position 1916, T replaced by A.
Protein change: p.Ile639Asn; replaces isoleucine 639 with asparagine.
Molecular consequence: missense variant.
Genome position (GRCh38, 1-based): chr7:150,951,477, A>T on the plus strand (T>A on the coding strand, the complement: KCNH2 is on the minus strand). VCF-style: chr7-150951477-A-T. GRCh37 (hg19) VCF-style: chr7-150648565-A-T.
Other names: c.1628T>A, p.Ile543Asn (NM_001406756.1, NM_001406753.1); c.1616T>A, p.Ile539Asn (NM_001406757.1); c.1916T>A, p.Ile639Asn (NM_172056.3); c.896T>A, p.Ile299Asn (NM_172057.3, NM_001204798.2); c.1739T>A, p.Ile580Asn (NM_001406755.1); short protein forms I299N, I639N, I539N, I543N, I580N.
Identifiers: ClinVar variation 2768610 (VCV002768610.3), dbSNP rs794728379, ClinGen allele CA006003.